The following is an entry in ClinVar:

ClinVar aggregate classification (germline): Conflicting classifications of pathogenicity. Review status: criteria provided, conflicting classifications (1 of 4 stars). 5 submissions from 4 submitters: Uncertain significance (2); Benign (1); Likely benign (2). Last evaluated 2026-02-01.

Conditions:
Weill-Marchesani syndrome. Also called: WM Syndrome; Mesodermal dysmorphodystrophy congenital. Identifiers: Orphanet 3449, MedGen C0265313, MONDO:0018096.
Glaucoma 3, primary congenital, D. Identifiers: Orphanet 98976, MedGen C2751316, MONDO:0013122, OMIM 613086.

Allele frequency attached by ClinVar (database versions not stated): 1000 Genomes Project 0.00100; 1000 Genomes Project 30x 0.00125; ExAC 0.00191; gnomAD exomes 0.00197 and 0.00392; gnomAD 0.00213 and 0.00219; TOPMed 0.00223; ESP Exome Variant Server 0.00246.
gnomAD v4.1: 6,039 of 1,613,314 alleles (0.37%); highest among the groups gnomAD compares: Non-Finnish European, 0.47%; 17 homozygotes.

Submissions (5):

Labcorp Genetics (formerly Invitae), Labcorp
Classification: Benign. Last evaluated: 2026-02-01. Review status: criteria provided, single submitter. Criteria: Invitae Variant Classification Sherloc (09022015). Collection method: clinical testing. Allele origin: germline.

Blueprint Genetics
Classification: Likely benign. Last evaluated: 2024-11-26. Review status: criteria provided, single submitter. Criteria: ACMG Guidelines, 2015. Collection method: clinical testing. Allele origin: germline.

CeGaT Center for Human Genetics Tuebingen
Classification: Likely benign. Last evaluated: 2022-06-01. Review status: criteria provided, single submitter. Criteria: CeGaT Center For Human Genetics Tuebingen Variant Classification Criteria Version 2. Collection method: clinical testing. Allele origin: germline. Affected: yes. Observed: 1 variant allele.
Comment: LTBP2: BP4, BP7

Illumina Laboratory Services, Illumina
Classification: Uncertain significance for Glaucoma 3, primary congenital, D. Last evaluated: 2018-01-13. Review status: criteria provided, single submitter. Criteria: ICSL Variant Classification Criteria 13 December 2019. Collection method: clinical testing. Allele origin: germline.

Illumina Laboratory Services, Illumina
Classification: Uncertain significance for Weill-Marchesani syndrome. Last evaluated: 2018-01-13. Review status: criteria provided, single submitter. Criteria: ICSL Variant Classification Criteria 13 December 2019. Collection method: clinical testing. Allele origin: germline.

NM_000428.3(LTBP2):c.807C>T (p.Pro269=)

Gene: LTBP2 (latent transforming growth factor beta binding protein 2; minus strand). Cytogenetic location: 14q24.3.
Variant type: single nucleotide variant.
Coding change: c.807C>T on transcript NM_000428.3 (MANE Select); coding-DNA position 807, C replaced by T.
Protein change: p.Pro269=; no amino-acid change (proline 269 retained).
Molecular consequence: synonymous variant.
Genome position (GRCh38, 1-based): chr14:74,585,877, G>A on the plus strand (C>T on the coding strand, the complement: LTBP2 is on the minus strand). VCF-style: chr14-74585877-G-A. GRCh37 (hg19) VCF-style: chr14-75052580-G-A.
Identifiers: ClinVar variation 715782 (VCV000715782.38), dbSNP rs61738024, ClinGen allele CA7270089.